The following is an entry in ClinVar:

NM_014484.5(MOCS3):c.119C>A (p.Pro40Gln)

Gene: MOCS3 (molybdenum cofactor synthesis 3; plus strand). Cytogenetic location: 20q13.13.
Variant type: single nucleotide variant.
Coding change: c.119C>A on transcript NM_014484.5 (MANE Select); coding-DNA position 119, C replaced by A.
Protein change: p.Pro40Gln; replaces proline 40 with glutamine.
Molecular consequence: missense variant.
Genome position (GRCh38, 1-based): chr20:50,958,961, C>A. VCF-style: chr20-50958961-C-A. GRCh37 (hg19) VCF-style: chr20-49575498-C-A.
Other names: short protein forms P40Q.
Identifiers: ClinVar variation 1462022 (VCV001462022.6), dbSNP rs932121275, ClinGen allele CA315263899.

ClinVar aggregate classification (germline): Uncertain significance (1 of 4 stars; one submission).

Allele frequency attached by ClinVar (database versions not stated): gnomAD 0.00001; gnomAD exomes below 0.00001 and 0.00001; TOPMed 0.00001.

Submission:

Labcorp Genetics (formerly Invitae), Labcorp
Classification: Uncertain significance. Last evaluated: 2024-10-16. Review status: criteria provided, single submitter. Criteria: Invitae Variant Classification Sherloc (09022015). Collection method: clinical testing. Allele origin: germline.
Comment: This sequence change replaces proline, which is neutral and non-polar, with glutamine, which is neutral and polar, at codon 40 of the MOCS3 protein (p.Pro40Gln). This variant is present in population databases (no rsID available, gnomAD 0.002%). This variant has not been reported in the literature in individuals affected with MOCS3-related conditions. ClinVar contains an entry for this variant (Variation ID: 1462022). An algorithm developed to predict the effect of missense changes on protein structure and function (PolyPhen-2) suggests that this variant is likely to be tolerated. In summary, the available evidence is currently insufficient to determine the role of this variant in disease. Therefore, it has been classified as a Variant of Uncertain Significance.